The following is an entry in ClinVar:

NM_000123.4(ERCC5):c.2412C>T (p.Ser804=)

Genes: BIVM-ERCC5 (BIVM-ERCC5 readthrough; plus strand), ERCC5 (ERCC excision repair 5, endonuclease; plus strand), LOC126861834 (BRD4-independent group 4 enhancer GRCh37_chr13:103518038-103519237; plus strand). Cytogenetic location: 13q33.1.
Variant type: single nucleotide variant.
Coding change: c.2412C>T on transcript NM_000123.4 (MANE Select); coding-DNA position 2412, C replaced by T.
Protein change: p.Ser804=; no amino-acid change (serine 804 retained).
Molecular consequence: synonymous variant.
Genome position (GRCh38, 1-based): chr13:102,866,724, C>T. VCF-style: chr13-102866724-C-T. GRCh37 (hg19) VCF-style: chr13-103519074-C-T.
Other names: c.3774C>T, p.Ser1258= (NM_001204425.2).
Identifiers: ClinVar variation 3025403 (VCV003025403.24), dbSNP rs145905587, ClinGen allele CA7041634.

ClinVar aggregate classification (germline): Likely benign. Review status: criteria provided, multiple submitters, no conflicts (2 of 4 stars). 3 submissions from 3 submitters: Likely benign (3). Last evaluated 2025-12-30.

Allele frequency attached by ClinVar (database versions not stated): gnomAD 0.00002; TOPMed 0.00004; gnomAD exomes 0.00005; ESP Exome Variant Server 0.00008; ExAC 0.00009; 1000 Genomes Project 0.00040; 1000 Genomes Project 30x 0.00047.
gnomAD v4.1: 71 of 1,614,248 alleles (0.0044%); highest among the groups gnomAD compares: East Asian, 0.0067%; no homozygotes.

Submissions (3):

Labcorp Genetics (formerly Invitae), Labcorp
Classification: Likely benign. Last evaluated: 2025-12-30. Review status: criteria provided, single submitter. Criteria: Invitae Variant Classification Sherloc (09022015). Collection method: clinical testing. Allele origin: germline.

CeGaT Center for Human Genetics Tuebingen
Classification: Likely benign. Last evaluated: 2025-03-01. Review status: criteria provided, single submitter. Criteria: CeGaT Center For Human Genetics Tuebingen Variant Classification Criteria Version 2. Collection method: clinical testing. Allele origin: germline. Affected: yes. Observed: 2 variant alleles.
Comment: BIVM-ERCC5: BP4, BP7; ERCC5: BP4, BP7

Blueprint Genetics
Classification: Likely benign. Last evaluated: 2024-04-22. Review status: criteria provided, single submitter. Criteria: ACMG Guidelines, 2015. Collection method: clinical testing. Allele origin: germline.